The following is an entry in ClinVar:

ClinVar aggregate classification (germline): Pathogenic. Review status: reviewed by expert panel (3 of 4 stars). 3 submissions from 3 submitters: Pathogenic (1). 2 of the submissions do not count toward it. Last evaluated 2016-10-18.

Conditions:
Hereditary cancer-predisposing syndrome. Also called: Tumor predisposition; Neoplastic Syndromes, Hereditary; Hereditary Cancer Syndrome; Hereditary neoplastic syndrome. Identifiers: Orphanet 140162, MedGen C0027672, MeSH D009386, MONDO:0015356.
Breast-ovarian cancer, familial, susceptibility to, 1 (BROVCA1). Also called: OVARIAN CANCER, SUSCEPTIBILITY TO; BRCA1 Hereditary Breast and Ovarian Cancer. Identifiers: Orphanet 145, MedGen C2676676, MONDO:0011450, OMIM 604370. Disease mechanism: loss of function.

Submissions (3):

Evidence-based Network for the Interpretation of Germline Mutant Alleles (ENIGMA)
Classification: Pathogenic for Breast-ovarian cancer, familial, susceptibility to, 1. Last evaluated: 2016-10-18. Review status: reviewed by expert panel. Criteria: ENIGMA BRCA1/2 Classification Criteria (2015). Collection method: curation. Allele origin: germline.
Comment: Variant allele predicted to encode a truncated non-functional protein.

Ambry Genetics
Classification: Pathogenic for Hereditary cancer-predisposing syndrome. Last evaluated: 2023-01-11. Review status: criteria provided, single submitter. Criteria: Ambry Variant Classification Scheme 2023. Collection method: clinical testing. Allele origin: germline. Not counted in ClinVar's aggregate classification.
Comment: The c.1823delA pathogenic mutation, located in coding exon 9 of the BRCA1 gene, results from a deletion of one nucleotide at nucleotide position 1823, causing a translational frameshift with a predicted alternate stop codon (p.K608Rfs*4). This alteration was identified in at least one Korean breast cancer patient undergoing BRCA1/2 genetic testing (Ahn SH et al. Cancer Lett, 2007 Jan;245:90-5; Ryu JM et al. Breast Cancer Res Treat, 2019 Jan;173:385-395). This variant is considered to be rare based on population cohorts in the Genome Aggregation Database (gnomAD). In addition to the clinical data presented in the literature, this alteration is expected to result in loss of function by premature protein truncation or nonsense-mediated mRNA decay. As such, this alteration is interpreted as a disease-causing mutation.

Consortium of Investigators of Modifiers of BRCA1/2 (CIMBA), c/o University of Cambridge
Classification: Pathogenic for Breast-ovarian cancer, familial, susceptibility to, 1. Last evaluated: 2015-10-02. Review status: criteria provided, single submitter. Criteria: CIMBA Mutation Classification guidelines May 2016. Collection method: clinical testing. Allele origin: germline. Not counted in ClinVar's aggregate classification.

Literature cited by the submitters: PubMed 16455195 (cited by Ambry Genetics); PubMed 30350268 (cited by Ambry Genetics).

NM_007294.4(BRCA1):c.1823del (p.Lys608fs)

Gene: BRCA1 (BRCA1 DNA repair associated; minus strand). Cytogenetic location: 17q21.31.
Variant type: Deletion.
Coding change: c.1823del on transcript NM_007294.4 (MANE Select); coding-DNA position 1823, one base deleted (A; older notation c.1823delA).
Protein change: p.Lys608fs; shifts the reading frame from lysine 608.
Molecular consequence: frameshift variant. On other transcripts: intron variant (137).
Genome position (GRCh38, 1-based): chr17:43,093,708, T deleted on the plus strand (A on the coding strand, the reverse complement: BRCA1 is on the minus strand); the first of 5 consecutive T bases (chr17:43,093,708-43,093,712); deleting any one gives the same sequence. VCF-style (leftmost placement, unchanged base first): chr17-43093707-CT-C. GRCh37 (hg19) VCF-style: chr17-41245724-CT-C.
Other names: 1942delA; c.1823delA (NM_007294.3); c.1700del, p.Lys567fs (NM_001407666.1, NM_001407667.1, NM_001407668.1 and 19 more transcripts); c.1697del, p.Lys566fs (NM_001407670.1, NM_001407671.1, NM_001407672.1 and 11 more transcripts); c.1823del, p.Lys608fs (NM_001407684.1, NM_001407854.1, NM_001407858.1 and 30 more transcripts); c.1682del, p.Lys561fs (NM_001407692.1, NM_001407694.1, NM_001407695.1 and 29 more transcripts); c.1679del, p.Lys560fs (NM_001407740.1, NM_001407741.1, NM_001407742.1 and 20 more transcripts); c.1610del, p.Lys537fs (NM_001407853.1, NM_001407894.1, NM_001407895.1 and 9 more transcripts); and 42 more; short protein forms K608fs, K561fs, K519fs, K605fs, K607fs, K440fs, K537fs, K538fs.
Identifiers: ClinVar variation 54362 (VCV000054362.9), dbSNP rs397508911, ClinGen allele CA001185.